The following is an entry in ClinVar:

NM_015178.3(RHOBTB2):c.1719G>A (p.Lys573=)

Gene: RHOBTB2 (Rho related BTB domain containing 2; plus strand). Cytogenetic location: 8p21.3.
Variant type: single nucleotide variant.
Coding change: c.1719G>A on transcript NM_015178.3 (MANE Select); coding-DNA position 1719, G replaced by A.
Protein change: p.Lys573=; no amino-acid change (lysine 573 retained).
Molecular consequence: synonymous variant.
Genome position (GRCh38, 1-based): chr8:23,010,636, G>A. VCF-style: chr8-23010636-G-A. GRCh37 (hg19) VCF-style: chr8-22868149-G-A.
Other names: c.1785G>A, p.Lys595= (NM_001160036.2); c.1740G>A, p.Lys580= (NM_001160037.2); c.1719G>A, p.Lys573= (NM_001374791.1).
Identifiers: ClinVar variation 4873506 (VCV004873506.2).
Genomic context (GRCh38, chr8:23,010,636, plus strand): 5'-CGTGCTGGAATACCTCTACACCGGCATGTTCACCTCCAGCCCCGACCTGGATGACATGAA[G>A]CTCATCATTCTAGCCAACCGCCTCTGCCTGCCACACCTGGTTGCCCTCACAGGTAACTAA-3'
Protein context (NP_055993.2, residues 563-583): FTSSPDLDDM[Lys573=]LIILANRLCL

ClinVar aggregate classification (germline): Likely benign (1 of 4 stars; one submission).

Submission:

CeGaT Center for Human Genetics Tuebingen
Classification: Likely benign. Last evaluated: 2026-05-01. Review status: criteria provided, single submitter. Criteria: CeGaT Center For Human Genetics Tuebingen Variant Classification Criteria Version 2. Collection method: clinical testing. Allele origin: germline. Affected: yes. Observed: 1 variant allele.
Comment: RHOBTB2: PM2:Supporting, BP4, BP7